The following is an entry in ClinVar:

ClinVar aggregate classification (germline): Benign (1 of 4 stars; one submission).

Conditions:
Imerslund-Grasbeck syndrome type 1 (IGS1). Also called: Megaloblastic anemia 1, Finnish type; MEGALOBLASTIC ANEMIA, 1; Imerslund-Gräsbeck syndrome 1. Identifiers: MedGen C4016819, MONDO:0100156, OMIM 261100.

Allele frequency attached by ClinVar (database versions not stated): gnomAD 0.00690 and 0.00646; 1000 Genomes Project 0.00759; 1000 Genomes Project 30x 0.00796; TOPMed 0.00705.

Submission:

Illumina Laboratory Services, Illumina
Classification: Benign for Imerslund-Grasbeck syndrome type 1. Last evaluated: 2018-01-13. Review status: criteria provided, single submitter. Criteria: ICSL Variant Classification Criteria 13 December 2019. Collection method: clinical testing. Allele origin: germline.
Comment: This variant was observed in the ICSL laboratory as part of a predisposition screen in an ostensibly healthy population. It had not been previously curated by ICSL or reported in the Human Gene Mutation Database (HGMD: prior to June 1st, 2018), and was therefore a candidate for classification through an automated scoring system. Utilizing variant allele frequency, disease prevalence and penetrance estimates, and inheritance mode, an automated score was calculated to assess if this variant is too frequent to cause the disease. Based on the score and internal cut-off values, a variant classified as benign is not then subjected to further curation. The score for this variant resulted in a classification of benign for this disease.

NM_001081.4(CUBN):c.*872T>C

Gene: CUBN (cubilin; minus strand). Cytogenetic location: 10p13.
Variant type: single nucleotide variant.
Coding change: c.*872T>C on transcript NM_001081.4 (MANE Select); 872 bases downstream of the stop codon, T replaced by C.
Molecular consequence: 3 prime UTR variant.
Genome position (GRCh38, 1-based): chr10:16,824,103, A>G on the plus strand (T>C on the coding strand, the complement: CUBN is on the minus strand). VCF-style: chr10-16824103-A-G. GRCh37 (hg19) VCF-style: chr10-16866102-A-G.
Identifiers: ClinVar variation 878188 (VCV000878188.4), dbSNP rs116825641, ClinGen allele CA15640330.